The following is an entry in ClinVar:

NM_020812.4(DOCK6):c.5939+2T>C

Gene: DOCK6 (dedicator of cytokinesis 6; minus strand). Cytogenetic location: 19p13.2.
Variant type: single nucleotide variant.
Coding change: c.5939+2T>C on transcript NM_020812.4 (MANE Select); the canonical splice donor site of the intron after coding-DNA position 5939, T replaced by C.
Molecular consequence: splice donor variant.
Genome position (GRCh38, 1-based): chr19:11,200,714, A>G on the plus strand (T>C on the coding strand, the complement: DOCK6 is on the minus strand). VCF-style: chr19-11200714-A-G. GRCh37 (hg19) VCF-style: chr19-11311390-A-G.
Other names: IVS46DS, +2, T-C; c.6044+2T>C (NM_001367830.1).
Identifiers: ClinVar variation 253047 (VCV000253047.25), dbSNP rs201387914, ClinGen allele CA9206295.

ClinVar aggregate classification (germline): Pathogenic. Review status: criteria provided, multiple submitters, no conflicts (2 of 4 stars). 9 submissions from 9 submitters: Pathogenic (6). 3 of the submissions do not count toward it. Last evaluated 2026-06-22.

Conditions:
DOCK6-related disorders.
DOCK6-related disorder. Also called: DOCK6-related condition.
Inborn genetic diseases. Identifiers: MedGen C0950123, MeSH D030342.
Adams-Oliver syndrome 2 (AOS2). Identifiers: Orphanet 974, MedGen C3280182, MONDO:0013635, OMIM 614219.

Allele frequency attached by ClinVar (database versions not stated): TOPMed 0.00018; gnomAD 0.00019; ESP Exome Variant Server 0.00025; ExAC 0.00042.
gnomAD v4.1: 394 of 1,611,398 alleles (0.024%); highest among the groups gnomAD compares: Non-Finnish European, 0.03%; no homozygotes.

Submissions (11):

PreventionGenetics, part of Exact Sciences
Classification: Pathogenic for DOCK6-related condition. Last evaluated: 2026-06-22. Review status: criteria provided, single submitter. Criteria: ACMG Guidelines, 2015. Collection method: clinical testing. Allele origin: germline.
Comment: The DOCK6 c.5939+2T>C variant is predicted to disrupt the GT donor site and interfere with normal splicing. This variant has been reported in the homozygous and compound heterozygous states in multiple individuals with Adams-Oliver syndrome, and segregated with disease in one family (see for examples: Sukalo. 2015. PubMed ID: 25824905; Jones et al. 2017. PubMed ID: 28884918; Dudoignon et al. 2020. PubMed ID: 31654484). This variant has also been documented in the compound heterozygous state in an individual who fulfilled the clinical criteria for Aicardi-Goutieres syndrome (Tonduti et al. 2018. PubMed ID: 30111349). This variant is present in 0.036% of alleles in individuals of European (Non-Finnish) descent in gnomAD. Variants that disrupt the consensus splice donor site in DOCK6 are an established mechanism of disease. This variant is interpreted as pathogenic.

Labcorp Genetics (formerly Invitae), Labcorp
Classification: Pathogenic. Last evaluated: 2025-07-06. Review status: criteria provided, single submitter. Criteria: Invitae Variant Classification Sherloc (09022015). Collection method: clinical testing. Allele origin: germline.
Comment: This sequence change affects a donor splice site in intron 46 of the DOCK6 gene. It is expected to disrupt RNA splicing. Variants that disrupt the donor or acceptor splice site typically lead to a loss of protein function (PMID: 16199547), and loss-of-function variants in DOCK6 are known to be pathogenic (PMID: 21820096, 25824905). This variant is present in population databases (rs201387914, gnomAD 0.04%). Disruption of this splice site has been observed in individual(s) with Aicardi-Goutières syndrome and Adams-Oliver syndrome (PMID: 25824905, 28884918, 30111349). It has also been observed to segregate with disease in related individuals. ClinVar contains an entry for this variant (Variation ID: 253047). Algorithms developed to predict the effect of sequence changes on RNA splicing suggest that this variant may disrupt the consensus splice site. For these reasons, this variant has been classified as Pathogenic.

Ambry Genetics
Classification: Pathogenic for Inborn genetic diseases. Last evaluated: 2024-11-29. Review status: criteria provided, single submitter. Criteria: Ambry Variant Classification Scheme 2023. Collection method: clinical testing. Allele origin: germline.
Comment: The c.5939+2T>C intronic variant results from a T to C substitution two nucleotides after coding exon 46 of the DOCK6 gene. Alterations that disrupt the canonical splice site are expected to cause aberrant splicing, resulting in an abnormal protein or a transcript that is subject to nonsense-mediated mRNA decay; however, +2T>C alterations are capable of generating wild-type transcripts in some genomic contexts and should be interpreted with caution (Lin, 2019). Based on data from gnomAD, the C allele has an overall frequency of 0.021% (58/277380) total alleles studied. The highest observed frequency was 0.036% (46/127132) of European (non-Finnish) alleles. This alteration has been reported in the literature in combination with other DOCK6 variants in patients with features consistent with Adams-Oliver syndrome (Jones, 2017; Dugan, 2018). This nucleotide position is highly conserved in available vertebrate species. In silico splice site analysis predicts that this alteration will weaken the native splice donor site. Based on the available evidence, this alteration is classified as pathogenic.

Blueprint Genetics
Classification: Pathogenic for DOCK6-related disorders. Last evaluated: 2024-07-01. Review status: criteria provided, single submitter. Criteria: ACMG Guidelines, 2015. Collection method: clinical testing. Allele origin: germline. Affected: yes. Observed: 5 variant alleles.

GeneDx
Classification: Pathogenic. Last evaluated: 2022-02-16. Review status: criteria provided, single submitter. Criteria: GeneDx Variant Classification Process June 2021. Collection method: clinical testing. Allele origin: germline. Affected: yes.
Comment: Canonical splice site variant predicted to result in a null allele in a gene for which loss-of-function is a known mechanism of disease; This variant is associated with the following publications: (PMID: 25824905, 30111349, 31654484, 29961505, 29924900, 31589614, 28884918)

Revvity Omics, Revvity
Classification: Pathogenic for Adams-Oliver syndrome 2. Last evaluated: 2020-04-05. Review status: criteria provided, single submitter. Criteria: ACMG Guidelines, 2015. Collection method: clinical testing. Allele origin: germline.

OMIM
Classification: Pathogenic for ADAMS-OLIVER SYNDROME 2. Last evaluated: 2023-11-02. Review status: no assertion criteria provided. Collection method: literature only. Allele origin: germline. Not counted in ClinVar's aggregate classification.

Clinical Genetics DNA and cytogenetics Diagnostics Lab, Erasmus MC, Erasmus Medical Center
Classification: Likely pathogenic. Review status: no assertion criteria provided. Collection method: clinical testing. Allele origin: germline. Affected: yes. Study: VKGL Data-share Consensus. Not counted in ClinVar's aggregate classification.

Diagnostic Laboratory, Department of Genetics, University Medical Center Groningen
Classification: Pathogenic. Review status: no assertion criteria provided. Collection method: clinical testing. Allele origin: germline. Affected: yes. Study: VKGL Data-share Consensus. Not counted in ClinVar's aggregate classification.

Dr. Peter K. Rogan Lab, Western University
No classification provided (evidence only). Condition: Malignant tumor of urinary bladder. Review status: no classification provided. Collection method: in vitro. Allele origin: not applicable. Functional consequence: retained intron. Not counted in ClinVar's aggregate classification.

Dr. Peter K. Rogan Lab, Western University
No classification provided (evidence only). Condition: Ovarian serous cystadenocarcinoma. Review status: no classification provided. Collection method: in vitro. Allele origin: not applicable. Functional consequence: retained intron. Not counted in ClinVar's aggregate classification.

Literature cited by the submitters: PubMed 16199547 (cited by Labcorp Genetics (formerly Invitae), Labcorp); PubMed 21820096 (cited by Labcorp Genetics (formerly Invitae), Labcorp); PubMed 25824905 (cited by Labcorp Genetics (formerly Invitae), Labcorp and OMIM); PubMed 28884918 (cited by Labcorp Genetics (formerly Invitae), Labcorp and Ambry Genetics); PubMed 30111349 (cited by Labcorp Genetics (formerly Invitae), Labcorp); PubMed 29961505 (cited by Ambry Genetics); PubMed 31131953 (cited by Ambry Genetics).